The following is an entry in ClinVar:

NM_033028.5(BBS4):c.1072_1073del (p.Lys358fs)

Gene: BBS4 (Bardet-Biedl syndrome 4; plus strand). Cytogenetic location: 15q24.1.
Variant type: Deletion.
Coding change: c.1072_1073del on transcript NM_033028.5 (MANE Select); coding-DNA positions 1072 to 1073, 2 bases deleted (AA; older notation c.1072_1073delAA).
Protein change: p.Lys358fs; shifts the reading frame from lysine 358.
Molecular consequence: frameshift variant. On other transcripts: non-coding transcript variant (2).
Genome position (GRCh38, 1-based): chr15:72,735,148-72,735,149, AA deleted. VCF-style (leftmost placement, unchanged base first): chr15-72735147-CAA-C. GRCh37 (hg19) VCF-style: chr15-73027488-CAA-C.
Other names: c.556_557del, p.Lys186fs (NM_001252678.2); c.1003_1004del, p.Lys335fs (NM_001320665.2); short protein forms K186fs, K358fs, K335fs.
Identifiers: ClinVar variation 866549 (VCV000866549.5), dbSNP rs2065896039, ClinGen allele CA916083441.
Genomic context (GRCh38, chr15:72,735,147, plus strand): 5'-CAGCTGCAGTGCTTTCTTTGTTGCAGTGGCTCTGACCAATCTGGAAGATATAGAAAATGC[CAA>C]GAGAGCCTACGCAGAAGCAGTCCACCTGGATAAGTATGCACTTTGTTGAGAATGGTACTG-3'

ClinVar aggregate classification (germline): Pathogenic/Likely pathogenic. Review status: criteria provided, multiple submitters, no conflicts (2 of 4 stars). 4 submissions from 4 submitters: Pathogenic (2); Likely pathogenic (2). Last evaluated 2025-06-11.

Conditions:
Bardet-Biedl syndrome (BBS). Identifiers: Orphanet 110, MedGen C0752166, MONDO:0015229.
Bardet-Biedl syndrome 4 (BBS4). Identifiers: Orphanet 110, MedGen C2936864, MONDO:0014433, OMIM 615982.
BBS4-related disorder. Also called: BBS4-related condition.

Allele frequency attached by ClinVar (database versions not stated): TOPMed below 0.00001; gnomAD 0.00001; gnomAD exomes 0.00001.

Submissions (4):

Labcorp Genetics (formerly Invitae), Labcorp
Classification: Pathogenic for Bardet-Biedl syndrome. Last evaluated: 2025-06-11. Review status: criteria provided, single submitter. Criteria: Invitae Variant Classification Sherloc (09022015). Collection method: clinical testing. Allele origin: germline.
Comment: This sequence change creates a premature translational stop signal (p.Lys358Glufs*11) in the BBS4 gene. It is expected to result in an absent or disrupted protein product. Loss-of-function variants in BBS4 are known to be pathogenic (PMID: 11381270, 12016587, 20177705, 26355662, 27894351). This variant is not present in population databases (gnomAD no frequency). This premature translational stop signal has been observed in individual(s) with Bardet-Biedl syndrome (PMID: 37031301). ClinVar contains an entry for this variant (Variation ID: 866549). Algorithms developed to predict the effect of sequence changes on RNA splicing suggest that this variant may disrupt the consensus splice site. For these reasons, this variant has been classified as Pathogenic.

Fulgent Genetics
Classification: Pathogenic for Bardet-Biedl syndrome 4. Last evaluated: 2024-05-07. Review status: criteria provided, single submitter. Criteria: ACMG Guidelines, 2015. Collection method: clinical testing. Allele origin: germline.

Baylor Genetics
Classification: Likely pathogenic for Bardet-Biedl syndrome 4. Last evaluated: 2021-12-29. Review status: criteria provided, single submitter. Criteria: ACMG Guidelines, 2015. Collection method: clinical testing. Allele origin: unknown.

Blueprint Genetics
Classification: Likely pathogenic for BBS4-related disorders. Last evaluated: 2018-05-29. Review status: criteria provided, single submitter. Criteria: ACMG Guidelines, 2015. Collection method: clinical testing. Allele origin: germline. Affected: yes. Observed: 1 variant allele.

Literature cited by the submitters: PubMed 11381270 (cited by Labcorp Genetics (formerly Invitae), Labcorp); PubMed 12016587 (cited by Labcorp Genetics (formerly Invitae), Labcorp); PubMed 20177705 (cited by Labcorp Genetics (formerly Invitae), Labcorp); PubMed 26355662 (cited by Labcorp Genetics (formerly Invitae), Labcorp); PubMed 27894351 (cited by Labcorp Genetics (formerly Invitae), Labcorp); PubMed 37031301 (cited by Labcorp Genetics (formerly Invitae), Labcorp).